The following is an entry in ClinVar:

NM_000060.4:c.587del

Variant type: Deletion.
Other names: c.587del (NM_000060.4).
Identifiers: ClinVar variation 4816026 (VCV004816026.1).

ClinVar aggregate classification (germline): Likely pathogenic (1 of 4 stars; one submission).

Conditions:
Biotinidase deficiency. Also called: BTD deficiency; Late-onset biotin-responsive multiple carboxylase deficiency; Biotin deficiency. Identifiers: Orphanet 79241, MedGen C0220754, MONDO:0009665, OMIM 253260.

Submission:

Natera, Inc.
Classification: Likely pathogenic for Biotinidase deficiency. Last evaluated: 2025-03-25. Review status: criteria provided, single submitter. Criteria: Natera Variant Classification Schema (03/2026). Collection method: clinical testing. Allele origin: germline.
Comment: The c.587del variant in BTD is a frameshift variant predicted to shift the reading frame beginning at codon 196 and leads to a stop codon 68 codons downstream. This variant is expected to result in nonsense mediated decay, truncation, or a dysfunctional protein product. This variant is rare in the general population with a frequency below the threshold expected for the associated phenotype(s). Given the available evidence, this variant is classified as Likely Pathogenic.